The following is an entry in ClinVar:

ClinVar aggregate classification (germline): Likely benign (1 of 4 stars; one submission).

gnomAD v4.1: 2,207 of 1,610,590 alleles (0.14%); highest among the groups gnomAD compares: South Asian, 0.32%; 11 homozygotes.

Submission:

CeGaT Center for Human Genetics Tuebingen
Classification: Likely benign. Last evaluated: 2025-11-01. Review status: criteria provided, single submitter. Criteria: CeGaT Center For Human Genetics Tuebingen Variant Classification Criteria Version 2. Collection method: clinical testing. Allele origin: germline. Affected: yes. Observed: 1 variant allele.
Comment: NCKAP5: BP4

NM_207363.3(NCKAP5):c.4323T>G (p.Ser1441Arg)

Gene: NCKAP5 (NCK associated protein 5; minus strand). Cytogenetic location: 2q21.2.
Variant type: single nucleotide variant.
Coding change: c.4323T>G on transcript NM_207363.3 (MANE Select); coding-DNA position 4323, T replaced by G.
Protein change: p.Ser1441Arg; replaces serine 1441 with arginine.
Molecular consequence: missense variant. On other transcripts: intron variant (1).
Genome position (GRCh38, 1-based): chr2:132,782,488, A>C on the plus strand (T>G on the coding strand, the complement: NCKAP5 is on the minus strand). VCF-style: chr2-132782488-A-C. GRCh37 (hg19) VCF-style: chr2-133540061-A-C.
Other names: c.1092+7535T>G (NM_207481.4); short protein forms S1441R.
Identifiers: ClinVar variation 4533541 (VCV004533541.6).
Genomic context (GRCh38, chr2:132,782,488, plus strand): 5'-AGCATCAGTCGCGGTTGCAGAGGCATCTGGATGCCTTCCAGAAGTTTCTAGCTTGGATGT[A>C]CTGCTTGTTTCAAAAGTGCTTGGATGCTGAGTCCTCCCTGGGCTCTGCAGGGCTTCAGGG-3'
Protein context (NP_997246.2, residues 1431-1451): TQHPSTFETS[Ser1441Arg]TSKLETSGRH